The following is an entry in ClinVar:

NM_006086.4(TUBB3):c.982G>A (p.Glu328Lys)

Gene: TUBB3 (tubulin beta 3 class III; plus strand). Cytogenetic location: 16q24.3.
Variant type: single nucleotide variant.
Coding change: c.982G>A on transcript NM_006086.4 (MANE Select); coding-DNA position 982, G replaced by A.
Protein change: p.Glu328Lys; replaces glutamic acid 328 with lysine.
Molecular consequence: missense variant.
Genome position (GRCh38, 1-based): chr16:89,935,433, G>A. VCF-style: chr16-89935433-G-A. GRCh37 (hg19) VCF-style: chr16-90001841-G-A.
Other names: c.766G>A, p.Glu256Lys (NM_001197181.2); short protein forms E256K, E328K.
Identifiers: ClinVar variation 374309 (VCV000374309.10), dbSNP rs1057518686, ClinGen allele CA16043693.

ClinVar aggregate classification (germline): Conflicting classifications of pathogenicity. Review status: criteria provided, conflicting classifications (1 of 4 stars). 4 submissions from 4 submitters: Likely pathogenic (2); Uncertain significance (1). 1 of the submissions does not count toward it. Last evaluated 2026-05-01.

Conditions:
Complex cortical dysplasia with other brain malformations 1. Identifiers: Orphanet 300570, MedGen C3808397, MONDO:0013541, OMIM 614039.

Submissions (4):

Victorian Clinical Genetics Services, Murdoch Childrens Research Institute
Classification: Likely pathogenic for Complex cortical dysplasia with other brain malformations 1. Last evaluated: 2026-05-01. Review status: criteria provided, single submitter. Criteria: ACMG Guidelines, 2015. Collection method: clinical testing. Allele origin: germline. Affected: yes.
Comment: This variant is classified as Likely pathogenic. Evidence in support of pathogenic classification: Variant is absent from gnomAD (v2, v3 and v4); This variant has moderate previous evidence of pathogenicity in unrelated individuals. This variant has been classified as likely pathogenic and as a VUS by clinical laboratories in ClinVar. It has also been reported in a mildly affected father and son (PMID: 40614697) and as de novo in another unrelated individual, however, this individual also had a homozygous ISCA2 variant (PMID: 27959697); Missense variant in a region that is highly intolerant to missense variation (high constraint region in DECIPHER), and within the annotated tubulin C-terminal domain (DECIPHER). Additional information: Variant is predicted to result in a missense amino acid change from Glu to Lys; This variant is heterozygous; This gene is associated with autosomal dominant disease; An alternative amino acid change at the same position has been observed in gnomAD (v3: 1 heterozygote, 0 homozygotes); No published functional evidence has been identified for this variant; No comparable missense variants have previous evidence for pathogenicity; Missense variant with conflicting in silico predictions and uninformative conservation; Dominant negative and gain of function are likely mechanisms of disease in this gene and are associated with cortical dysplasia, complex, with other brain malformations 1 (MIM#614039) and fibrosis of extraocular muscles, congenital, 3A (MIM#600638) (PMIDs: 31219644, 20074521).

GeneDx
Classification: Likely pathogenic. Last evaluated: 2025-03-17. Review status: criteria provided, single submitter. Criteria: GeneDx Variant Classification Process June 2021. Collection method: clinical testing. Allele origin: germline. Affected: yes.
Comment: Missense variants in this gene are often considered pathogenic (HGMD); In silico analysis supports that this missense variant has a deleterious effect on protein structure/function; Not observed at significant frequency in large population cohorts (gnomAD); This variant is associated with the following publications: (PMID: 20829227, 27959697)

Labcorp Genetics (formerly Invitae), Labcorp
Classification: Uncertain significance. Last evaluated: 2023-12-06. Review status: criteria provided, single submitter. Criteria: Invitae Variant Classification Sherloc (09022015). Collection method: clinical testing. Allele origin: germline.
Comment: This sequence change replaces glutamic acid, which is acidic and polar, with lysine, which is basic and polar, at codon 328 of the TUBB3 protein (p.Glu328Lys). This variant is not present in population databases (gnomAD no frequency). This variant has not been reported in the literature in individuals affected with TUBB3-related conditions. ClinVar contains an entry for this variant (Variation ID: 374309). Advanced modeling of protein sequence and biophysical properties (such as structural, functional, and spatial information, amino acid conservation, physicochemical variation, residue mobility, and thermodynamic stability) performed at Invitae indicates that this missense variant is not expected to disrupt TUBB3 protein function with a negative predictive value of 80%. In summary, the available evidence is currently insufficient to determine the role of this variant in disease. Therefore, it has been classified as a Variant of Uncertain Significance.

Baylor Genetics
Classification: Likely pathogenic for Complex cortical dysplasia with other brain malformations 1. Last evaluated: 2016-05-01. Review status: no assertion criteria provided. Collection method: clinical testing. Allele origin: de novo. Inheritance: Autosomal dominant inheritance. Affected: yes. Not counted in ClinVar's aggregate classification.

Literature cited by the submitters: PubMed 31219644 (cited by Victorian Clinical Genetics Services, Murdoch Childrens Research Institute); PubMed 27959697 (cited by Victorian Clinical Genetics Services, Murdoch Childrens Research Institute); PubMed 20074521 (cited by Victorian Clinical Genetics Services, Murdoch Childrens Research Institute); PubMed 40614697 (cited by Victorian Clinical Genetics Services, Murdoch Childrens Research Institute).